The following is an entry in ClinVar:

ClinVar aggregate classification (germline): Uncertain significance (1 of 4 stars; one submission).

Allele frequency attached by ClinVar (database versions not stated): gnomAD exomes below 0.00001.

Submission:

Labcorp Genetics (formerly Invitae), Labcorp
Classification: Uncertain significance. Last evaluated: 2023-12-26. Review status: criteria provided, single submitter. Criteria: Invitae Variant Classification Sherloc (09022015). Collection method: clinical testing. Allele origin: germline.
Comment: This sequence change replaces glutamine, which is neutral and polar, with leucine, which is neutral and non-polar, at codon 3983 of the KMT2C protein (p.Gln3983Leu). This variant is not present in population databases (gnomAD no frequency). This variant has not been reported in the literature in individuals affected with KMT2C-related conditions. An algorithm developed to predict the effect of missense changes on protein structure and function (PolyPhen-2) suggests that this variant is likely to be tolerated. In summary, the available evidence is currently insufficient to determine the role of this variant in disease. Therefore, it has been classified as a Variant of Uncertain Significance.

NM_170606.3(KMT2C):c.11948A>T (p.Gln3983Leu)

Gene: KMT2C (lysine methyltransferase 2C; minus strand). Cytogenetic location: 7q36.1.
Variant type: single nucleotide variant.
Coding change: c.11948A>T on transcript NM_170606.3 (MANE Select); coding-DNA position 11948, A replaced by T.
Protein change: p.Gln3983Leu; replaces glutamine 3983 with leucine.
Molecular consequence: missense variant.
Genome position (GRCh38, 1-based): chr7:152,155,922, T>A on the plus strand (A>T on the coding strand, the complement: KMT2C is on the minus strand). VCF-style: chr7-152155922-T-A. GRCh37 (hg19) VCF-style: chr7-151853007-T-A.
Other names: short protein forms Q3983L.
Identifiers: ClinVar variation 3022016 (VCV003022016.3), dbSNP rs2092016649, ClinGen allele CA370097395.
Genomic context (GRCh38, chr7:152,155,922, plus strand): 5'-TAAAAGAAGAAATAACTAAGAATTATTTGAGAAAAAAATAACCTGTACCTTAATTCTTCC[T>A]GATTGTTATGAGGTGGTGTTGGGAGGGAGGCTGGCACATCAACTGTCTTGGGGCCCTGAG-3'
Protein context (NP_733751.2, residues 3973-3993): ASLPTPPHNN[Gln3983Leu]EELRIQDHCG